The following is an entry in ClinVar:

ClinVar aggregate classification (germline): Pathogenic (1 of 4 stars; one submission).

Submission:

Labcorp Genetics (formerly Invitae), Labcorp
Classification: Pathogenic. Last evaluated: 2020-10-26. Review status: criteria provided, single submitter. Criteria: Invitae Variant Classification Sherloc (09022015). Collection method: clinical testing. Allele origin: germline.
Comment: This sequence change creates a premature translational stop signal (p.Ser585*) in the ELP1 gene. It is expected to result in an absent or disrupted protein product. This variant is not present in population databases (ExAC no frequency). This variant has not been reported in the literature in individuals with ELP1-related conditions. ClinVar contains an entry for this variant (Variation ID: 955658). Loss-of-function variants in ELP1 are known to be pathogenic (PMID: 18303054, 24173031). For these reasons, this variant has been classified as Pathogenic.

Literature cited by the submitters: PubMed 18303054; PubMed 24173031.

NM_003640.5(ELP1):c.1754C>A (p.Ser585Ter)

Gene: ELP1 (elongator acetyltransferase complex subunit 1; minus strand). Cytogenetic location: 9q31.3.
Variant type: single nucleotide variant.
Coding change: c.1754C>A on transcript NM_003640.5 (MANE Select); coding-DNA position 1754, C replaced by A.
Protein change: p.Ser585Ter; replaces serine 585 with a stop codon.
Molecular consequence: nonsense.
Genome position (GRCh38, 1-based): chr9:108,902,939, G>T on the plus strand (C>A on the coding strand, the complement: ELP1 is on the minus strand). VCF-style: chr9-108902939-G-T. GRCh37 (hg19) VCF-style: chr9-111665219-G-T.
Other names: c.1412C>A, p.Ser471Ter (NM_001318360.2); c.707C>A, p.Ser236Ter (NM_001330749.2); short protein forms S471*, S236*, S585*.
Identifiers: ClinVar variation 955658 (VCV000955658.7), dbSNP rs1828866977, ClinGen allele CA374425875.